The following is an entry in ClinVar:

NM_004304.5(ALK):c.*298C>T

Gene: ALK (ALK receptor tyrosine kinase; minus strand). Cytogenetic location: 2p23.2.
Variant type: single nucleotide variant.
Coding change: c.*298C>T on transcript NM_004304.5 (MANE Select); 298 bases downstream of the stop codon, C replaced by T.
Molecular consequence: 3 prime UTR variant.
Genome position (GRCh38, 1-based): chr2:29,192,926, G>A on the plus strand (C>T on the coding strand, the complement: ALK is on the minus strand). VCF-style: chr2-29192926-G-A. GRCh37 (hg19) VCF-style: chr2-29415792-G-A.
Other names: c.*298C>T (NM_001353765.2).
Identifiers: ClinVar variation 335677 (VCV000335677.6), dbSNP rs1728828, ClinGen allele CA10615226.
Genomic context (GRCh38, chr2:29,192,926, plus strand): 5'-CAACTATGAAACATAGAAGCAGCTAATTCTGACTACATTGAAGCAGAGCACACACAATTT[G>A]AAAGAAGCATAAGGAAGTATACAACAAACATGCATAAAAACCTTATGCAACCACATCTGG-3'

ClinVar aggregate classification (germline): Benign. Review status: criteria provided, multiple submitters, no conflicts (2 of 4 stars). 2 submissions from 2 submitters: Benign (2). Last evaluated 2018-01-12.

Conditions:
Neuroblastoma, susceptibility to, 3. Also called: ALK-Related Neuroblastic Tumor Susceptibility. Identifiers: Orphanet 635, MedGen C2751681, MONDO:0013083, OMIM 613014.

Allele frequency attached by ClinVar (database versions not stated): TOPMed 0.99019; gnomAD 0.99040 and 0.99128; 1000 Genomes Project 30x 0.99219; 1000 Genomes Project 0.99281; gnomAD exomes 0.99859.
gnomAD v4.1: 451,343 of 453,082 alleles (100%); highest among the groups gnomAD compares: East Asian, 100%; 224,828 homozygotes.

Submissions (2):

Illumina Laboratory Services, Illumina
Classification: Benign for Neuroblastoma, susceptibility to, 3. Last evaluated: 2018-01-12. Review status: criteria provided, single submitter. Criteria: ICSL Variant Classification Criteria 13 December 2019. Collection method: clinical testing. Allele origin: germline.
Comment: This variant was observed in the ICSL laboratory as part of a predisposition screen in an ostensibly healthy population. It had not been previously curated by ICSL or reported in the Human Gene Mutation Database (HGMD: prior to June 1st, 2018), and was therefore a candidate for classification through an automated scoring system. Utilizing variant allele frequency, disease prevalence and penetrance estimates, and inheritance mode, an automated score was calculated to assess if this variant is too frequent to cause the disease. Based on the score and internal cut-off values, a variant classified as benign is not then subjected to further curation. The score for this variant resulted in a classification of benign for this disease.

Breakthrough Genomics
Classification: Benign. Review status: criteria provided, single submitter. Criteria: ACMG Guidelines, 2015. Collection method: not provided. Allele origin: germline. Inheritance: Unknown mechanism. Affected: yes.